The following is an entry in ClinVar:

ClinVar aggregate classification (germline): Pathogenic (1 of 4 stars; one submission).

Conditions:
Neurofibromatosis, type 1 (NF1). Also called: Peripheral type neurofibromatosis; VON RECKLINGHAUSEN DISEASE; NEUROFIBROMATOSIS, TYPE I, SOMATIC; Neurofibromatosis, type I. Identifiers: Orphanet 636, MedGen C0027831, MONDO:0018975, OMIM 162200. Disease mechanism: loss of function.

Submission:

Labcorp Genetics (formerly Invitae), Labcorp
Classification: Pathogenic for Neurofibromatosis, type 1. Last evaluated: 2019-08-04. Review status: criteria provided, single submitter. Criteria: Invitae Variant Classification Sherloc (09022015). Collection method: clinical testing. Allele origin: germline.
Comment: For these reasons, this variant has been classified as Pathogenic. Loss-of-function variants in NF1 are known to be pathogenic (PMID: 10712197, 23913538). This variant has not been reported in the literature in individuals with NF1-related conditions. This variant is not present in population databases (ExAC no frequency). This sequence change creates a premature translational stop signal (p.Ser557Argfs*11) in the NF1 gene. It is expected to result in an absent or disrupted protein product.

Literature cited by the submitters: PubMed 10712197; PubMed 23913538.

NM_001042492.3(NF1):c.1671del (p.Ser557fs)

Gene: NF1 (neurofibromin 1; plus strand). Cytogenetic location: 17q11.2.
Variant type: Deletion.
Coding change: c.1671del on transcript NM_001042492.3 (MANE Select); coding-DNA position 1671, one base deleted (C; older notation c.1671delC).
Protein change: p.Ser557fs; shifts the reading frame from serine 557.
Molecular consequence: frameshift variant.
Genome position (GRCh38, 1-based): chr17:31,221,879, C deleted. VCF-style (leftmost placement, unchanged base first): chr17-31221878-GC-G. GRCh37 (hg19) VCF-style: chr17-29548896-GC-G.
Other names: c.1671delC, p.Ser557Argfs (NM_000267.4); c.1671del, p.Ser557fs (NM_001128147.3); short protein forms S557fs.
Identifiers: ClinVar variation 958581 (VCV000958581.6), dbSNP rs2066928367, ClinGen allele CA1139665409.